The following is an entry in ClinVar:

NM_001399.5(EDA):c.413_416del (p.Phe138fs)

Gene: EDA (ectodysplasin A; plus strand). Cytogenetic location: Xq13.1.
Variant type: Deletion.
Coding change: c.413_416del on transcript NM_001399.5 (MANE Select); coding-DNA positions 413 to 416, 4 bases deleted (TCTT; older notation c.413_416delTCTT).
Protein change: p.Phe138fs; shifts the reading frame from phenylalanine 138.
Molecular consequence: frameshift variant.
Genome position (GRCh38, 1-based): chrX:69,957,043-69,957,046, TCTT deleted; deleting any 4 consecutive bases within chrX:69,957,041-69,957,046 gives the same sequence; the c. name uses the placement nearest the transcript's 3' end. VCF-style (leftmost placement, unchanged base first): chrX-69957040-ATTTC-A. GRCh37 (hg19) VCF-style: chrX-69176890-ATTTC-A.
Other names: c.413_416del, p.Phe138fs (NM_001005609.2, NM_001005612.3); short protein forms F138fs.
Identifiers: ClinVar variation 861177 (VCV000861177.7), dbSNP rs2019017595, ClinGen allele CA916083964.

ClinVar aggregate classification (germline): Pathogenic (1 of 4 stars; one submission).

Conditions:
Hypohidrotic X-linked ectodermal dysplasia (XHED). Also called: Christ-Siemans-Touraine syndrome; ECTODERMAL DYSPLASIA 1; ECTODERMAL DYSPLASIA, HYPOHIDROTIC, 1; CST SYNDROME; Ectodermal Dysplasia 1, Anhidrotic; Anhidrotic ectodermal dysplasia X-linked. Identifiers: Orphanet 181, Orphanet 238468, MedGen C0162359, MONDO:0010585, OMIM 305100.

Submission:

Labcorp Genetics (formerly Invitae), Labcorp
Classification: Pathogenic for Hypohidrotic X-linked ectodermal dysplasia. Last evaluated: 2019-05-13. Review status: criteria provided, single submitter. Criteria: Invitae Variant Classification Sherloc (09022015). Collection method: clinical testing. Allele origin: germline.
Comment: For these reasons, this variant has been classified as Pathogenic. Loss-of-function variants in EDA are known to be pathogenic (PMID: 9683615). This variant has not been reported in the literature in individuals with EDA-related conditions. This variant is not present in population databases (ExAC no frequency). This sequence change creates a premature translational stop signal (p.Phe138Serfs*141) in the EDA gene. It is expected to result in an absent or disrupted protein product.

Literature cited by the submitters: PubMed 9683615.